The following is an entry in ClinVar:

NM_152564.5(VPS13B):c.10042A>G (p.Ile3348Val)

Gene: VPS13B (vacuolar protein sorting 13 homolog B; plus strand). Cytogenetic location: 8q22.2.
Variant type: single nucleotide variant.
Coding change: c.10042A>G on transcript NM_152564.5 (MANE Select); coding-DNA position 10042, A replaced by G.
Protein change: p.Ile3348Val; replaces isoleucine 3348 with valine.
Molecular consequence: missense variant.
Genome position (GRCh38, 1-based): chr8:99,848,875, A>G. VCF-style: chr8-99848875-A-G. GRCh37 (hg19) VCF-style: chr8-100861103-A-G.
Other names: c.10117A>G, p.Ile3373Val (NM_017890.5); c.10042A>G (NM_152564.4); c.10117A>G (NM_017890.3); short protein forms I3373V, I3348V.
Identifiers: ClinVar variation 1040275 (VCV001040275.12), dbSNP rs777046028, ClinGen allele CA4824858.
Genomic context (GRCh38, chr8:99,848,875, plus strand): 5'-GTTGTACATCAGTGTGGCACAGTCTTCATCACTGTGGCCCCAGAAGGAAAAGCAGGACCT[A>G]TTTTAACCAATACCAACAGGTAGGTTTAATTATTTTCCCAGTGACAACATAGTAAGTGTT-3'
Protein context (NP_689777.3, residues 3338-3358): TVAPEGKAGP[Ile3348Val]LTNTNRAPEK

ClinVar aggregate classification (germline): Uncertain significance. Review status: criteria provided, multiple submitters, no conflicts (2 of 4 stars). 4 submissions from 4 submitters: Uncertain significance (3). 1 of the submissions does not count toward it. Last evaluated 2026-03-24.

Conditions:
VPS13B-related disorder. Also called: VPS13B-related condition.
Cohen syndrome (COH1). Also called: Cutis verticis gyrata, retinitis pigmentosa, and sensorineural deafness; PEPPER SYNDROME. Identifiers: Orphanet 193, MedGen C0265223, MONDO:0008999, OMIM 216550.
Inborn genetic diseases. Identifiers: MedGen C0950123, MeSH D030342.

Allele frequency attached by ClinVar (database versions not stated): TOPMed 0.00001; ExAC 0.00002; gnomAD exomes 0.00002 and 0.00001; gnomAD 0.00001.
gnomAD v4.1: 15 of 1,614,046 alleles (0.00093%); highest among the groups gnomAD compares: Admixed American, 0.0067%; no homozygotes.

Submissions (4):

PreventionGenetics, part of Exact Sciences
Classification: Uncertain significance for VPS13B-related condition. Last evaluated: 2026-03-24. Review status: criteria provided, single submitter. Criteria: ACMG Guidelines, 2015. Collection method: clinical testing. Allele origin: germline.
Comment: The VPS13B c.10042A>G variant is predicted to result in the amino acid substitution p.Ile3348Val. To our knowledge, this variant has not been reported in the literature. This variant is reported in 0.0085% of alleles in individuals of Latino descent in gnomAD. At this time, the clinical significance of this variant is uncertain due to the absence of conclusive functional and genetic evidence.

Ambry Genetics
Classification: Uncertain significance for Inborn genetic diseases. Last evaluated: 2025-04-16. Review status: criteria provided, single submitter. Criteria: Ambry Variant Classification Scheme 2023. Collection method: clinical testing. Allele origin: germline.

Labcorp Genetics (formerly Invitae), Labcorp
Classification: Uncertain significance for Cohen syndrome. Last evaluated: 2025-01-06. Review status: criteria provided, single submitter. Criteria: Invitae Variant Classification Sherloc (09022015). Collection method: clinical testing. Allele origin: germline.
Comment: This sequence change replaces isoleucine, which is neutral and non-polar, with valine, which is neutral and non-polar, at codon 3373 of the VPS13B protein (p.Ile3373Val). This variant is present in population databases (rs777046028, gnomAD 0.009%). This variant has not been reported in the literature in individuals affected with VPS13B-related conditions. ClinVar contains an entry for this variant (Variation ID: 1040275). Invitae Evidence Modeling of protein sequence and biophysical properties (such as structural, functional, and spatial information, amino acid conservation, physicochemical variation, residue mobility, and thermodynamic stability) indicates that this missense variant is not expected to disrupt VPS13B protein function with a negative predictive value of 80%. In summary, the available evidence is currently insufficient to determine the role of this variant in disease. Therefore, it has been classified as a Variant of Uncertain Significance.

Natera, Inc.
Classification: Uncertain significance for Cohen syndrome. Last evaluated: 2020-02-26. Review status: no assertion criteria provided. Collection method: clinical testing. Allele origin: germline. Not counted in ClinVar's aggregate classification.